The following is an entry in ClinVar:

ClinVar aggregate classification (germline): Pathogenic (1 of 4 stars; one submission).

Submission:

GeneDx
Classification: Pathogenic. Last evaluated: 2025-05-07. Review status: criteria provided, single submitter. Criteria: GeneDx Variant Classification Process June 2021. Collection method: clinical testing. Allele origin: germline. Affected: yes.
Comment: Frameshift variant predicted to result in protein truncation or nonsense mediated decay in a gene for which loss of function is a known mechanism of disease; Not observed at significant frequency in large population cohorts (gnomAD); Has not been previously published as pathogenic or benign to our knowledge

NM_005862.3(STAG1):c.1141dup (p.Met381fs)

Gene: STAG1 (STAG1 cohesin complex component; minus strand). Cytogenetic location: 3q22.3.
Variant type: Duplication.
Coding change: c.1141dup on transcript NM_005862.3 (MANE Select); coding-DNA position 1141, one base duplicated (A; older notation c.1141dupA).
Protein change: p.Met381fs; shifts the reading frame from methionine 381.
Molecular consequence: frameshift variant.
Genome position (GRCh38, 1-based): chr3:136,472,477, T duplicated on the plus strand (A on the coding strand, the reverse complement: STAG1 is on the minus strand); the first of 2 consecutive T bases (chr3:136,472,477-136,472,478); duplicating either gives the same sequence. VCF-style (leftmost placement, unchanged base first): chr3-136472476-A-AT. GRCh37 (hg19) VCF-style: chr3-136191318-A-AT.
Other names: short protein forms M381fs.
Identifiers: ClinVar variation 4528293 (VCV004528293.1).